The following is an entry in ClinVar:

ClinVar aggregate classification (germline): Likely benign (0 of 4 stars; one submission).

Conditions:
SEMA3B-related disorder. Also called: SEMA3B-related condition.

gnomAD v4.1: 1 of 1,536,556 alleles (0.000065%); no homozygotes.

Submission:

PreventionGenetics, part of Exact Sciences
Classification: Likely benign for SEMA3B-related condition. Last evaluated: 2023-07-07. Review status: no assertion criteria provided. Collection method: clinical testing. Allele origin: germline.
Comment: This variant is classified as likely benign based on ACMG/AMP sequence variant interpretation guidelines (Richards et al. 2015 PMID: 25741868, with internal and published modifications).

NM_001290060.2(SEMA3B):c.2088G>A (p.Val696=)

Gene: SEMA3B (semaphorin 3B; plus strand). Cytogenetic location: 3p21.31.
Variant type: single nucleotide variant.
Coding change: c.2088G>A on transcript NM_001290060.2 (MANE Select); coding-DNA position 2088, G replaced by A.
Protein change: p.Val696=; no amino-acid change (valine 696 retained).
Molecular consequence: synonymous variant. On other transcripts: non-coding transcript variant (1).
Genome position (GRCh38, 1-based): chr3:50,276,544, G>A. VCF-style: chr3-50276544-G-A. GRCh37 (hg19) VCF-style: chr3-50313975-G-A.
Other names: c.2085G>A, p.Val695= (NM_001005914.3); c.2103G>A, p.Val701= (NM_001290061.1); c.1059G>A, p.Val353= (NM_001290062.2, NM_001290063.2); c.2088G>A, p.Val696= (NM_004636.4).
Identifiers: ClinVar variation 3357136 (VCV003357136.1).